The following is an entry in ClinVar:

NC_000007.13:g.(?_117120136)_(117199729_?)del

Gene: CFTR (CF transmembrane conductance regulator; plus strand). Cytogenetic location: 7q31.2.
Variant type: Deletion.
Identifiers: ClinVar variation 2423154 (VCV002423154.4).

ClinVar aggregate classification (germline): Pathogenic (1 of 4 stars; one submission).

Conditions:
Cystic fibrosis (CF). Also called: MUCOVISCIDOSIS. Identifiers: Orphanet 586, MedGen C0010674, MONDO:0009061, OMIM 219700. Disease mechanism: loss of function.

Submission:

Labcorp Genetics (formerly Invitae), Labcorp
Classification: Pathogenic for Cystic fibrosis. Last evaluated: 2022-11-01. Review status: criteria provided, single submitter. Criteria: Invitae Variant Classification Sherloc (09022015). Collection method: clinical testing. Allele origin: germline.
Comment: For these reasons, this variant has been classified as Pathogenic. This variant has not been reported in the literature in individuals affected with CFTR-related conditions. This variant is a gross deletion of the genomic region encompassing exon(s) 1-11 of the CFTR gene, which includes the initiator codon. This deletion extends beyond the assayed region for this gene and therefore may encompass additional genes. It is expected to result in an absent or disrupted protein product. Loss-of-function variants in CFTR are known to be pathogenic (PMID: 1695717, 7691345, 9725922).

Literature cited by the submitters: PubMed 1695717; PubMed 7691345; PubMed 9725922.